The following is an entry in ClinVar:

NM_003238.6(TGFB2):c.152C>T (p.Thr51Ile)

Gene: TGFB2 (transforming growth factor beta 2; plus strand). Cytogenetic location: 1q41.
Variant type: single nucleotide variant.
Coding change: c.152C>T on transcript NM_003238.6 (MANE Select); coding-DNA position 152, C replaced by T.
Protein change: p.Thr51Ile; replaces threonine 51 with isoleucine.
Molecular consequence: missense variant. On other transcripts: non-coding transcript variant (2).
Genome position (GRCh38, 1-based): chr1:218,346,853, C>T. VCF-style: chr1-218346853-C-T. GRCh37 (hg19) VCF-style: chr1-218520195-C-T.
Other names: c.152C>T, p.Thr51Ile (NM_001135599.4); short protein forms T51I.
Identifiers: ClinVar variation 2113842 (VCV002113842.4), dbSNP rs1656699420, ClinGen allele CA344725404.
Genomic context (GRCh38, chr1:218,346,853, plus strand): 5'-AGTTCATGCGCAAGAGGATCGAGGCGATCCGCGGGCAGATCCTGAGCAAGCTGAAGCTCA[C>T]CAGTCCCCCAGAAGACTATCCTGAGCCCGAGGAAGTCCCCCCGGAGGTGATTTCCATCTA-3'
Protein context (NP_003229.1, residues 41-61): RGQILSKLKL[Thr51Ile]SPPEDYPEPE

ClinVar aggregate classification (germline): Uncertain significance (1 of 4 stars; one submission).

Conditions:
Loeys-Dietz syndrome 4 (LDS4). Also called: TGFB2-Related Loeys-Dietz Syndrome; ANEURYSM, AORTIC AND CEREBRAL, WITH ARTERIAL TORTUOSITY AND SKELETAL MANIFESTATIONS. Identifiers: MedGen C3553762, MONDO:0013897, OMIM 614816.

gnomAD v4.1: 5 of 1,614,134 alleles (0.00031%); highest among the groups gnomAD compares: South Asian, 0.0011%; no homozygotes.

Submission:

Labcorp Genetics (formerly Invitae), Labcorp
Classification: Uncertain significance for Loeys-Dietz syndrome 4. Last evaluated: 2022-03-18. Review status: criteria provided, single submitter. Criteria: Invitae Variant Classification Sherloc (09022015). Collection method: clinical testing. Allele origin: germline.
Comment: Advanced modeling of protein sequence and biophysical properties (such as structural, functional, and spatial information, amino acid conservation, physicochemical variation, residue mobility, and thermodynamic stability) performed at Invitae indicates that this missense variant is not expected to disrupt TGFB2 protein function. This variant has not been reported in the literature in individuals affected with TGFB2-related conditions. This variant is not present in population databases (gnomAD no frequency). This sequence change replaces threonine, which is neutral and polar, with isoleucine, which is neutral and non-polar, at codon 51 of the TGFB2 protein (p.Thr51Ile). In summary, the available evidence is currently insufficient to determine the role of this variant in disease. Therefore, it has been classified as a Variant of Uncertain Significance.